The following is an entry in ClinVar:

ClinVar aggregate classification (germline): Uncertain significance. Review status: criteria provided, multiple submitters, no conflicts (2 of 4 stars). 2 submissions from 2 submitters: Uncertain significance (2). Last evaluated 2015-09-26.

Conditions:
Hereditary cancer-predisposing syndrome. Also called: Hereditary Cancer Syndrome; Hereditary neoplastic syndrome; Tumor predisposition; Neoplastic Syndromes, Hereditary. Identifiers: Orphanet 140162, MedGen C0027672, MeSH D009386, MONDO:0015356.

Submissions (2):

Ambry Genetics
Classification: Uncertain significance for Hereditary cancer-predisposing syndrome. Last evaluated: 2015-09-26. Review status: criteria provided, single submitter. Criteria: Ambry Variant Classification Scheme 2023. Collection method: clinical testing. Allele origin: germline.
Comment: The p.G430R variant (also known as c.1288G>A), located in coding exon 4 of the MSH6 gene, results from a G to A substitution at nucleotide position 1288. The glycine at codon 430 is replaced by arginine, an amino acid with dissimilar properties. This variant was not reported in population based cohorts in the following databases: Database of Single Nucleotide Polymorphisms (dbSNP), NHLBI Exome Sequencing Project (ESP), and 1000 Genomes Project. In the ESP, this variant was not observed in 6503 samples (13006 alleles) with coverage at this position. To date, this alteration has been detected with an allele frequency of approximately 0.002% (greater than 65000 alleles tested) in our clinical cohort. This amino acid position is well conserved in available vertebrate species. In addition, this alteration is predicted to be deleterious by in silico analysis. Since supporting evidence is limited at this time, the clinical significance of p.G430R remains unclear.

GeneDx
Classification: Uncertain significance. Last evaluated: 2013-10-11. Review status: criteria provided, single submitter. Criteria: GeneDx Variant Classification (06012015). Collection method: clinical testing. Allele origin: germline. Affected: yes.
Comment: This variant MSH6 c.1288G>A at the cDNA level and p.Gly430Arg (G430R) at the protein level, and results in the change of a Glycine to an Arginine (GGG>AGG) in exon 4. This variant is a non-conservative substitution of a non-polar amino acid for a polar one and alters a position that is well conserved throughout evolution and not located in a known functional domain. This variant was not observed in approximately 6,000 individuals of European and African American ancestry in the NHLBI ESP Exome Variant Server, suggesting it is not a common benign variant in these populations. Multiple in silico algorithms predict that this variant may be damaging to protein structure and function. This variant has not, to our knowledge, been published in the literature as either a mutation or a polymorphism. Based on the currently available information, we consider the MSH6 variant G430R to be of unknown significance. The variant is found in BR-OV-HEREDIC panel(s).

NM_000179.3(MSH6):c.1288G>A (p.Gly430Arg)

Gene: MSH6 (mutS homolog 6; plus strand). Cytogenetic location: 2p16.3.
Variant type: single nucleotide variant.
Coding change: c.1288G>A on transcript NM_000179.3 (MANE Select); coding-DNA position 1288, G replaced by A.
Protein change: p.Gly430Arg; replaces glycine 430 with arginine.
Molecular consequence: missense variant.
Genome position (GRCh38, 1-based): chr2:47,799,271, G>A. VCF-style: chr2-47799271-G-A. GRCh37 (hg19) VCF-style: chr2-48026410-G-A.
Other names: p.G430R:GGG>AGG; c.898G>A, p.Gly300Arg (NM_001281492.2); c.382G>A, p.Gly128Arg (NM_001281493.2, NM_001281494.2); short protein forms G430R, G300R, G128R.
Identifiers: ClinVar variation 127559 (VCV000127559.6), dbSNP rs587779915, ClinGen allele CA008438.